The following is an entry in ClinVar:

ClinVar aggregate classification (germline): Pathogenic/Likely pathogenic. Review status: criteria provided, multiple submitters, no conflicts (2 of 4 stars). 4 submissions from 4 submitters: Pathogenic (1); Likely pathogenic (2). 1 of the submissions does not count toward it. Last evaluated 2024-11-25.

Conditions:
BEST1-related disorder. Also called: BEST1-related condition; BEST1-related disorders. Identifiers: MedGen CN239200.
Vitelliform macular dystrophy 2. Also called: MACULAR DEGENERATION, POLYMORPHIC VITELLINE; Best Vitelliform Macular Dystrophy (BVMD); Best vitelliform macular dystrophy, multifocal; VITELLIFORM MACULAR DYSTROPHY, EARLY-ONSET; VITELLIFORM MACULAR DYSTROPHY, JUVENILE-ONSET; Best Macular Dystrophy. Identifiers: Orphanet 1243, MedGen C2745945, MONDO:0007931, OMIM 153700.
Autosomal recessive bestrophinopathy. Also called: Autosomal Recessive Bestrophinopathy (ARB). Identifiers: Orphanet 139455, MedGen C3888198, MONDO:0012733, OMIM 611809.

Submissions (4):

3billion
Classification: Likely pathogenic for BEST1-related disorder. Last evaluated: 2024-11-25. Review status: criteria provided, single submitter. Criteria: ACMG Guidelines, 2015. Collection method: clinical testing. Allele origin: germline. Affected: yes.
Comment: The variant is not observed in the gnomAD v4.1.0 dataset. Predicted Consequence/Location: Inframe insertion located in a nonrepeat region: predicted to change the length of the protein and disrupt normal protein function. The variant has been reported at least twice as pathogenic without evidence for the classification (ClinVar ID: VCV000829895). Therefore, this variant is classified as Likely pathogenic according to the recommendation of ACMG/AMP guideline.

Genomic Medicine Center of Excellence, King Faisal Specialist Hospital and Research Centre
Classification: Pathogenic for Vitelliform macular dystrophy 2. Last evaluated: 2024-03-26. Review status: criteria provided, single submitter. Criteria: ACMG Guidelines, 2015. Collection method: clinical testing. Allele origin: germline.

Medical Molecular Genetics Department, National Research Center
Classification: Likely pathogenic for Autosomal recessive bestrophinopathy. Review status: criteria provided, single submitter. Criteria: ACMG Guidelines, 2015. Collection method: clinical testing. Allele origin: somatic. Affected: yes. Observed: 2 variant alleles.

Bioscientia Institut fuer Medizinische Diagnostik GmbH, Sonic Healthcare
Classification: Uncertain significance for Autosomal recessive bestrophinopathy. Last evaluated: 2019-09-06. Review status: no assertion criteria provided. Collection method: clinical testing. Allele origin: germline. Affected: yes. Not counted in ClinVar's aggregate classification.

NM_004183.4(BEST1):c.424_426dup (p.Ser142_Val143insSer)

Gene: BEST1 (bestrophin 1; plus strand). Cytogenetic location: 11q12.3.
Variant type: Duplication.
Coding change: c.424_426dup on transcript NM_004183.4 (MANE Select); coding-DNA positions 424 to 426, 3 bases duplicated (AGC; older notation c.424_426dupAGC).
Protein change: p.Ser142_Val143insSer.
Molecular consequence: inframe insertion. On other transcripts: inframe indel (3), non-coding transcript variant (1).
Genome position (GRCh38, 1-based): chr11:61,955,894-61,955,896, AGC duplicated; duplicating any 3 consecutive bases within chr11:61,955,892-61,955,896 gives the same sequence; the c. name uses the placement nearest the transcript's 3' end. VCF-style (leftmost placement, unchanged base first): chr11-61955891-C-CGCA. GRCh37 (hg19) VCF-style: chr11-61723363-C-CGCA.
Other names: c.245_246insCAG (NM_001139443.2); c.244_246dup, p.Ser82_Val83insSer (NM_001139443.3, NM_001300786.2, NM_001300787.2); c.106_108dup, p.Ser36_Val37insSer (NM_001363591.3); c.424_426dup, p.Ser142_Val143insSer (NM_001363592.2); c.-752_-750dup (NM_001363593.3).
Identifiers: ClinVar variation 829895 (VCV000829895.6), dbSNP rs1591284563, ClinGen allele CA915948855.
Genomic context (GRCh38, chr11:61,955,891, plus strand): 5'-GGCCGGCTGCTGCGGCGCACGCTCATCCGCTACGCCAACCTGGGCAACGTGCTCATCCTG[C>CGCA]GCAGCGTCAGCACCGCAGTCTACAAGCGCTTCCCCAGCGCCCAGCACCTGGTGCAAGCAG-3'